The following is an entry in ClinVar:

ClinVar aggregate classification (germline): Uncertain significance (1 of 4 stars; one submission).

Allele frequency attached by ClinVar (database versions not stated): ExAC 0.00002; gnomAD exomes 0.00002; gnomAD 0.00003; TOPMed 0.00004.
gnomAD v4.1: 38 of 1,613,964 alleles (0.0024%); highest among the groups gnomAD compares: East Asian, 0.0045%; no homozygotes.

Submission:

Ambry Genetics
Classification: Uncertain significance. Last evaluated: 2024-03-20. Review status: criteria provided, single submitter. Criteria: Ambry Variant Classification Scheme 2023. Collection method: clinical testing. Allele origin: germline.
Comment: The p.R426H variant (also known as c.1277G>A), located in coding exon 7 of the PKP4 gene, results from a G to A substitution at nucleotide position 1277. The arginine at codon 426 is replaced by histidine, an amino acid with highly similar properties. This amino acid position is conserved. In addition, the in silico prediction for this alteration is inconclusive. Since supporting evidence is limited at this time, the clinical significance of this alteration remains unclear.

NM_003628.6(PKP4):c.1277G>A (p.Arg426His)

Gene: PKP4 (plakophilin 4; plus strand). Cytogenetic location: 2q24.1.
Variant type: single nucleotide variant.
Coding change: c.1277G>A on transcript NM_003628.6 (MANE Select); coding-DNA position 1277, G replaced by A.
Protein change: p.Arg426His; replaces arginine 426 with histidine.
Molecular consequence: missense variant.
Genome position (GRCh38, 1-based): chr2:158,631,876, G>A. VCF-style: chr2-158631876-G-A. GRCh37 (hg19) VCF-style: chr2-159488388-G-A.
Other names: c.1277G>A, p.Arg426His (NM_001005476.4, NM_001304969.3, NM_001304971.2 and 6 more transcripts); c.251G>A, p.Arg84His (NM_001304970.3); c.1271G>A, p.Arg424His (NM_001377222.1, NM_001377223.1, NM_001377224.1); short protein forms R424H, R84H, R426H.
Identifiers: ClinVar variation 1766880 (VCV001766880.3), dbSNP rs745919258, ClinGen allele CA1920651.
Genomic context (GRCh38, chr2:158,631,876, plus strand): 5'-CTCCCGACTTGCACATTACTCCTATATATGAGGGGAGGACCTATTACAGCCCAGTGTACC[G>A]CAGCCCAAACCATGGAACTGTGGAGCTCCAAGGATCGCAGACGGCGTTGTATCGCACAGG-3'
Protein context (NP_003619.2, residues 416-436): EGRTYYSPVY[Arg426His]SPNHGTVELQ